The following is an entry in ClinVar:

ClinVar aggregate classification (germline): Uncertain significance (1 of 4 stars; one submission).

Conditions:
Hypertrophic cardiomyopathy. Also called: HYPERTROPHIC MYOCARDIOPATHY. Identifiers: Orphanet 217569, MedGen C0007194, MeSH D002312, MONDO:0005045, HP:0001639.

gnomAD v4.1: 1 of 1,614,210 alleles (0.000062%); highest among the groups gnomAD compares: Non-Finnish European, 0.000085%; no homozygotes.

Submission:

Labcorp Genetics (formerly Invitae), Labcorp
Classification: Uncertain significance for Hypertrophic cardiomyopathy. Last evaluated: 2024-06-29. Review status: criteria provided, single submitter. Criteria: Invitae Variant Classification Sherloc (09022015). Collection method: clinical testing. Allele origin: germline.
Comment: This sequence change replaces alanine, which is neutral and non-polar, with threonine, which is neutral and polar, at codon 107 of the TPM1 protein (p.Ala107Thr). This variant is not present in population databases (gnomAD no frequency). This missense change has been observed in individual(s) with hypertrophic cardiomyopathy (PMID: 29907873). An algorithm developed to predict the effect of missense changes on protein structure and function (PolyPhen-2) suggests that this variant is likely to be disruptive. In summary, the available evidence is currently insufficient to determine the role of this variant in disease. Therefore, it has been classified as a Variant of Uncertain Significance.

Literature cited by the submitters: PubMed 29907873.

NM_001018005.2(TPM1):c.319G>A (p.Ala107Thr)

Gene: TPM1 (tropomyosin 1; plus strand). Cytogenetic location: 15q22.2.
Variant type: single nucleotide variant.
Coding change: c.319G>A on transcript NM_001018005.2 (MANE Select); coding-DNA position 319, G replaced by A.
Protein change: p.Ala107Thr; replaces alanine 107 with threonine.
Molecular consequence: missense variant. On other transcripts: non-coding transcript variant (17).
Genome position (GRCh38, 1-based): chr15:63,057,063, G>A. VCF-style: chr15-63057063-G-A. GRCh37 (hg19) VCF-style: chr15-63349262-G-A.
Other names: c.319G>A, p.Ala107Thr (NM_000366.6, NM_001018004.2, NM_001018006.2 and 20 more transcripts); c.211G>A, p.Ala71Thr (NM_001018008.2, NM_001301289.2, NM_001330344.2 and 9 more transcripts); c.445G>A, p.Ala149Thr (NM_001365778.1, NM_001407322.1, NM_001407323.1 and 1 more transcripts); short protein forms A71T, A107T, A149T.
Identifiers: ClinVar variation 3721811 (VCV003721811.2).